The following is an entry in ClinVar:

NM_004036.5(ADCY3):c.2368A>G (p.Ile790Val)

Gene: ADCY3 (adenylate cyclase 3; minus strand). Cytogenetic location: 2p23.3.
Variant type: single nucleotide variant.
Coding change: c.2368A>G on transcript NM_004036.5 (MANE Select); coding-DNA position 2368, A replaced by G.
Protein change: p.Ile790Val; replaces isoleucine 790 with valine.
Molecular consequence: missense variant. On other transcripts: intron variant (1).
Genome position (GRCh38, 1-based): chr2:24,827,966, T>C on the plus strand (A>G on the coding strand, the complement: ADCY3 is on the minus strand). VCF-style: chr2-24827966-T-C. GRCh37 (hg19) VCF-style: chr2-25050835-T-C.
Other names: c.2368A>G, p.Ile790Val (NM_001320613.2, NM_001377132.1); c.2434A>G, p.Ile812Val (NM_001377128.1); c.2230A>G, p.Ile744Val (NM_001377129.1); c.1645A>G, p.Ile549Val (NM_001377131.1); c.2172+2743A>G (NM_001377130.1); short protein forms I549V, I744V, I790V, I812V.
Identifiers: ClinVar variation 3352533 (VCV003352533.2).

ClinVar aggregate classification (germline): Uncertain significance (1 of 4 stars; one submission).

Conditions:
ADCY3-related disorder. Also called: ADCY3-related condition.

gnomAD v4.1: 35 of 1,614,110 alleles (0.0022%); highest among the groups gnomAD compares: Admixed American, 0.03%; no homozygotes.

Submission:

PreventionGenetics, part of Exact Sciences
Classification: Uncertain significance for ADCY3-related condition. Last evaluated: 2025-09-07. Review status: criteria provided, single submitter. Criteria: ACMG Guidelines, 2015. Collection method: clinical testing. Allele origin: germline.
Comment: The ADCY3 c.2368A>G variant is predicted to result in the amino acid substitution p.Ile790Val. This variant has been reported in the heterozygous state in an individual with early onset obesity (Table S1, Roberts et al. 2022. PubMed ID: 35562395). This variant is reported in 0.028% of alleles in individuals of Latino descent in gnomAD. At this time, the clinical significance of this variant is uncertain due to the absence of conclusive functional and genetic evidence.